The following is an entry in ClinVar:

NM_012414.4(RAB3GAP2):c.687T>C (p.Arg229=)

Gene: RAB3GAP2 (RAB3 GTPase activating non-catalytic protein subunit 2; minus strand). Cytogenetic location: 1q41.
Variant type: single nucleotide variant.
Coding change: c.687T>C on transcript NM_012414.4 (MANE Select); coding-DNA position 687, T replaced by C.
Protein change: p.Arg229=; no amino-acid change (arginine 229 retained).
Molecular consequence: synonymous variant.
Genome position (GRCh38, 1-based): chr1:220,205,932, A>G on the plus strand (T>C on the coding strand, the complement: RAB3GAP2 is on the minus strand). VCF-style: chr1-220205932-A-G. GRCh37 (hg19) VCF-style: chr1-220379274-A-G.
Identifiers: ClinVar variation 4823599 (VCV004823599.4).
Genomic context (GRCh38, chr1:220,205,932, plus strand): 5'-TAACAGAGGTTAAATATTTCTTGCCAAAATATTACCTTTTGCTACCTGATTTCGACAAGC[A>G]CGAAGAGATTGAAAAAGGCTAAATCCATCAATAGTCACAATGGCAGCTGGATATAAGATA-3'
Protein context (NP_036546.2, residues 219-239): IDGFSLFQSL[Arg229=]ACRNQVAKAA

ClinVar aggregate classification (germline): Likely benign (1 of 4 stars; one submission).

gnomAD v4.1: 1 of 1,609,284 alleles (0.000062%); highest among the groups gnomAD compares: Admixed American, 0.0017%; no homozygotes.

Submission:

CeGaT Center for Human Genetics Tuebingen
Classification: Likely benign. Last evaluated: 2026-03-01. Review status: criteria provided, single submitter. Criteria: CeGaT Center For Human Genetics Tuebingen Variant Classification Criteria Version 2. Collection method: clinical testing. Allele origin: germline. Affected: yes. Observed: 1 variant allele.
Comment: RAB3GAP2: BP4, BP7